The following is an entry in ClinVar:

ClinVar aggregate classification (germline): Benign/Likely benign. Review status: criteria provided, multiple submitters, no conflicts (2 of 4 stars). 5 submissions from 5 submitters: Benign (2); Likely benign (3). Last evaluated 2025-07-07.

Conditions:
Inborn genetic diseases. Identifiers: MedGen C0950123, MeSH D030342.

Allele frequency attached by ClinVar (database versions not stated): gnomAD exomes 0.00007; TOPMed 0.00008; gnomAD 0.00009; ExAC 0.00010; ESP Exome Variant Server 0.00023.
gnomAD v4.1: 110 of 1,612,492 alleles (0.0068%); highest among the groups gnomAD compares: Non-Finnish European, 0.0086%; no homozygotes.

Submissions (5):

Labcorp Genetics (formerly Invitae), Labcorp
Classification: Benign. Last evaluated: 2025-07-07. Review status: criteria provided, single submitter. Criteria: Invitae Variant Classification Sherloc (09022015). Collection method: clinical testing. Allele origin: germline.

Laboratory of Genetics, Children's Clinical University Hospital Latvia
Classification: Benign. Last evaluated: 2025-02-16. Review status: criteria provided, single submitter. Criteria: ACMG Guidelines, 2015. Collection method: clinical testing. Allele origin: germline. Affected: yes.

Blueprint Genetics
Classification: Likely benign. Last evaluated: 2024-11-26. Review status: criteria provided, single submitter. Criteria: ACMG Guidelines, 2015. Collection method: clinical testing. Allele origin: germline.

CeGaT Center for Human Genetics Tuebingen
Classification: Likely benign. Last evaluated: 2022-12-01. Review status: criteria provided, single submitter. Criteria: CeGaT Center For Human Genetics Tuebingen Variant Classification Criteria Version 2. Collection method: clinical testing. Allele origin: germline. Affected: yes. Observed: 1 variant allele.
Comment: MACF1: BP4, BS2

Ambry Genetics
Classification: Likely benign for Inborn genetic diseases. Last evaluated: 2022-06-10. Review status: criteria provided, single submitter. Criteria: Ambry Variant Classification Scheme 2023. Collection method: clinical testing. Allele origin: germline.

NM_001394062.1(MACF1):c.17494A>G (p.Met5832Val)

Gene: MACF1 (microtubule actin crosslinking factor 1; plus strand). Cytogenetic location: 1p34.3.
Variant type: single nucleotide variant.
Coding change: c.17494A>G on transcript NM_001394062.1 (MANE Select); coding-DNA position 17494, A replaced by G.
Protein change: p.Met5832Val; replaces methionine 5832 with valine.
Molecular consequence: missense variant.
Genome position (GRCh38, 1-based): chr1:39,433,084, A>G. VCF-style: chr1-39433084-A-G. GRCh37 (hg19) VCF-style: chr1-39898756-A-G.
Other names: c.5563A>G, p.Met1855Val (NM_001397473.1); c.11308A>G, p.Met3770Val (NM_012090.5); short protein forms M3770V, M1855V, M5832V.
Identifiers: ClinVar variation 2269555 (VCV002269555.31), dbSNP rs144042918, ClinGen allele CA783623.